The following is an entry in ClinVar:

ClinVar aggregate classification (germline): Likely benign. Review status: criteria provided, multiple submitters, no conflicts (2 of 4 stars). 2 submissions from 2 submitters: Likely benign (2). Last evaluated 2026-06-01.

Conditions:
Pyruvate carboxylase deficiency. Also called: Pyruvate Carboxylase Deficiency Disease; ATAXIA WITH LACTIC ACIDOSIS II; LEIGH NECROTIZING ENCEPHALOPATHY DUE TO PYRUVATE CARBOXYLASE DEFICIENCY; LEIGH SYNDROME DUE TO PYRUVATE CARBOXYLASE DEFICIENCY; PC DEFICIENCY. Identifiers: Orphanet 3008, MedGen C0034341, MONDO:0009949, OMIM 266150.

Allele frequency attached by ClinVar (database versions not stated): gnomAD 0.00001 and 0.00003; gnomAD exomes 0.00001; ExAC 0.00002; TOPMed 0.00002; 1000 Genomes Project 30x 0.00016; 1000 Genomes Project 0.00020.
gnomAD v4.1: 21 of 1,613,586 alleles (0.0013%); highest among the groups gnomAD compares: Middle Eastern, 0.017%; no homozygotes.

Submissions (2):

CeGaT Center for Human Genetics Tuebingen
Classification: Likely benign. Last evaluated: 2026-06-01. Review status: criteria provided, single submitter. Criteria: CeGaT Center For Human Genetics Tuebingen Variant Classification Criteria Version 2. Collection method: clinical testing. Allele origin: germline. Affected: yes. Observed: 1 variant allele.
Comment: PC: BP4, BP7

Labcorp Genetics (formerly Invitae), Labcorp
Classification: Likely benign for Pyruvate carboxylase deficiency. Last evaluated: 2024-02-22. Review status: criteria provided, single submitter. Criteria: Invitae Variant Classification Sherloc (09022015). Collection method: clinical testing. Allele origin: germline.

NM_001040716.2(PC):c.825C>T (p.Val275=)

Gene: PC (pyruvate carboxylase; minus strand). Cytogenetic location: 11q13.2.
Variant type: single nucleotide variant.
Coding change: c.825C>T on transcript NM_001040716.2 (MANE Select); coding-DNA position 825, C replaced by T.
Protein change: p.Val275=; no amino-acid change (valine 275 retained).
Molecular consequence: synonymous variant.
Genome position (GRCh38, 1-based): chr11:66,870,380, G>A on the plus strand (C>T on the coding strand, the complement: PC is on the minus strand). VCF-style: chr11-66870380-G-A. GRCh37 (hg19) VCF-style: chr11-66637851-G-A.
Other names: c.825C>T, p.Val275= (NM_000920.4, NM_022172.3).
Identifiers: ClinVar variation 1552432 (VCV001552432.10), dbSNP rs546067067, ClinGen allele CA6132099.